The following is an entry in ClinVar:

ClinVar aggregate classification (germline): Uncertain significance (1 of 4 stars; one submission).

Conditions:
Inborn genetic diseases. Identifiers: MedGen C0950123, MeSH D030342.

gnomAD v4.1: 2 of 1,599,166 alleles (0.00013%); highest among the groups gnomAD compares: Admixed American, 0.0017%; no homozygotes.

Submission:

Ambry Genetics
Classification: Uncertain significance for Inborn genetic diseases. Last evaluated: 2025-08-02. Review status: criteria provided, single submitter. Criteria: Ambry Variant Classification Scheme 2023. Collection method: clinical testing. Allele origin: germline.
Comment: The p.S418P variant (also known as c.1252T>C), located in coding exon 11 of the ANKRD26 gene, results from a T to C substitution at nucleotide position 1252. The serine at codon 418 is replaced by proline, an amino acid with similar properties. This amino acid position is conserved. In addition, this alteration is predicted to be tolerated by in silico analysis. Based on the available evidence, the clinical significance of this variant remains unclear.

NM_014915.3(ANKRD26):c.1252T>C (p.Ser418Pro)

Gene: ANKRD26 (ankyrin repeat domain containing 26; minus strand). Cytogenetic location: 10p12.1.
Variant type: single nucleotide variant.
Coding change: c.1252T>C on transcript NM_014915.3 (MANE Select); coding-DNA position 1252, T replaced by C.
Protein change: p.Ser418Pro; replaces serine 418 with proline.
Molecular consequence: missense variant.
Genome position (GRCh38, 1-based): chr10:27,066,504, A>G on the plus strand (T>C on the coding strand, the complement: ANKRD26 is on the minus strand). VCF-style: chr10-27066504-A-G. GRCh37 (hg19) VCF-style: chr10-27355433-A-G.
Other names: c.1252T>C, p.Ser418Pro (NM_001256053.2); short protein forms S418P.
Identifiers: ClinVar variation 4103974 (VCV004103974.1).